The following is an entry in ClinVar:

NM_022089.4(ATP13A2):c.36G>A (p.Thr12=)

Gene: ATP13A2 (ATPase cation transporting 13A2; minus strand). Cytogenetic location: 1p36.13.
Variant type: single nucleotide variant.
Coding change: c.36G>A on transcript NM_022089.4 (MANE Select); coding-DNA position 36, G replaced by A.
Protein change: p.Thr12=; no amino-acid change (threonine 12 retained).
Molecular consequence: synonymous variant.
Genome position (GRCh38, 1-based): chr1:17,005,753, C>T on the plus strand (G>A on the coding strand, the complement: ATP13A2 is on the minus strand). VCF-style: chr1-17005753-C-T. GRCh37 (hg19) VCF-style: chr1-17332248-C-T.
Other names: c.36G>A, p.Thr12= (NM_001141973.3, NM_001141974.3).
Identifiers: ClinVar variation 705000 (VCV000705000.23), dbSNP rs61741838, ClinGen allele CA637790.

ClinVar aggregate classification (germline): Conflicting classifications of pathogenicity. Review status: criteria provided, conflicting classifications (1 of 4 stars). 4 submissions from 4 submitters: Uncertain significance (1); Likely benign (3). Last evaluated 2025-12-21.

Conditions:
Kufor-Rakeb syndrome (KRS). Also called: PARKINSON DISEASE 9, AUTOSOMAL RECESSIVE, JUVENILE-ONSET. Identifiers: Orphanet 306674, Orphanet 314632, MedGen C1847640, MONDO:0011706, OMIM 606693.
Autosomal recessive spastic paraplegia type 78. Identifiers: Orphanet 513436, MedGen C5567893, MONDO:0014975, OMIM 617225.
Inborn genetic diseases. Identifiers: MedGen C0950123, MeSH D030342.

Allele frequency attached by ClinVar (database versions not stated): ExAC 0.00001; gnomAD exomes 0.00003 and 0.00006; gnomAD 0.00019 and 0.00021; TOPMed 0.00029.

Submissions (4):

Labcorp Genetics (formerly Invitae), Labcorp
Classification: Likely benign for Kufor-Rakeb syndrome; Autosomal recessive spastic paraplegia type 78. Last evaluated: 2025-12-21. Review status: criteria provided, single submitter. Criteria: Invitae Variant Classification Sherloc (09022015). Collection method: clinical testing. Allele origin: germline.

CeGaT Center for Human Genetics Tuebingen
Classification: Likely benign. Last evaluated: 2025-05-01. Review status: criteria provided, single submitter. Criteria: CeGaT Center For Human Genetics Tuebingen Variant Classification Criteria Version 2. Collection method: clinical testing. Allele origin: germline. Affected: yes. Observed: 1 variant allele.
Comment: ATP13A2: BP4, BP7

Ambry Genetics
Classification: Likely benign for Inborn genetic diseases. Last evaluated: 2018-09-22. Review status: criteria provided, single submitter. Criteria: Ambry Variant Classification Scheme 2023. Collection method: clinical testing. Allele origin: germline.

Illumina Laboratory Services, Illumina
Classification: Uncertain significance for Kufor-Rakeb syndrome. Last evaluated: 2017-04-27. Review status: criteria provided, single submitter. Criteria: ICSL Variant Classification Criteria 13 December 2019. Collection method: clinical testing. Allele origin: germline.